The following is an entry in ClinVar:

NM_001605.3(AARS1):c.596A>T (p.Asp199Val)

Gene: AARS1 (alanyl-tRNA synthetase 1; minus strand). Cytogenetic location: 16q22.1.
Variant type: single nucleotide variant.
Coding change: c.596A>T on transcript NM_001605.3 (MANE Select); coding-DNA position 596, A replaced by T.
Protein change: p.Asp199Val; replaces aspartic acid 199 with valine.
Molecular consequence: missense variant.
Genome position (GRCh38, 1-based): chr16:70,271,856, T>A on the plus strand (A>T on the coding strand, the complement: AARS1 is on the minus strand). VCF-style: chr16-70271856-T-A. GRCh37 (hg19) VCF-style: chr16-70305759-T-A.
Other names: short protein forms D199V.
Identifiers: ClinVar variation 3027452 (VCV003027452.1), dbSNP rs74817799, ClinGen allele CA283444299.

ClinVar aggregate classification (germline): Uncertain significance (1 of 4 stars; one submission).

Conditions:
Charcot-Marie-Tooth disease axonal type 2N (CMT2N). Also called: Charcot-Marie-Tooth Neuropathy Type 2N; CHARCOT-MARIE-TOOTH DISEASE, AXONAL, AUTOSOMAL DOMINANT, TYPE 2N; CHARCOT-MARIE-TOOTH NEUROPATHY, AXONAL, TYPE 2N. Identifiers: Orphanet 228174, MedGen C2750090, MONDO:0013212, OMIM 613287.

Allele frequency attached by ClinVar (database versions not stated): gnomAD exomes below 0.00001; TOPMed below 0.00001.
gnomAD v4.1: 1 of 1,614,014 alleles (0.000062%); highest among the groups gnomAD compares: Non-Finnish European, 0.000085%; no homozygotes.

Submission:

Human Genetics Bochum, Ruhr University Bochum
Classification: Uncertain significance for Charcot-Marie-Tooth disease axonal type 2N. Last evaluated: 2023-11-17. Review status: criteria provided, single submitter. Criteria: ACMG Guidelines, 2015. Collection method: clinical testing. Allele origin: germline. Affected: yes.
Comment: ACMG criteria used to clasify this variant: PP3_MOD